The following is an entry in ClinVar:

NM_000277.3(PAH):c.824C>T (p.Pro275Leu)

Gene: PAH (phenylalanine hydroxylase; minus strand). Cytogenetic location: 12q23.2.
Variant type: single nucleotide variant.
Coding change: c.824C>T on transcript NM_000277.3 (MANE Select); coding-DNA position 824, C replaced by T.
Protein change: p.Pro275Leu; replaces proline 275 with leucine.
Molecular consequence: missense variant.
Genome position (GRCh38, 1-based): chr12:102,852,833, G>A on the plus strand (C>T on the coding strand, the complement: PAH is on the minus strand). VCF-style: chr12-102852833-G-A. GRCh37 (hg19) VCF-style: chr12-103246611-G-A.
Other names: NM_000277.3(PAH):c.824C>T; c.824C>T, p.Pro275Leu (NM_001354304.2); short protein forms P275L.
Identifiers: ClinVar variation 102855 (VCV000102855.6), dbSNP rs62508715, ClinGen allele CA229793.

ClinVar aggregate classification (germline): Pathogenic. Review status: reviewed by expert panel (3 of 4 stars). 4 submissions from 4 submitters: Pathogenic (1). 3 of the submissions do not count toward it. Last evaluated 2022-07-30.

Conditions:
Phenylketonuria (PKU). Also called: Phenylketonuria (PKU); FOLLING DISEASE; OLIGOPHRENIA PHENYLPYRUVICA; Phenylketonurias. Identifiers: Orphanet 716, MedGen C0031485, MONDO:0009861, OMIM 261600. Disease mechanism: loss of function.

Submissions (4):

ClinGen PAH Variant Curation Expert Panel
Classification: Pathogenic for Phenylketonuria. Last evaluated: 2022-07-30. Review status: reviewed by expert panel. Criteria: ClinGen PAH ACMG Specifications v1. Collection method: curation. Allele origin: germline. Inheritance: Autosomal recessive inheritance.
Comment: This c.824 C>T (p.Pro275Leu) variant in PAH was reported in individuals affected with PAH deficiency in trans with various pathogenic variants: IVS4-1G>A (PMID 26600521); p.His170Gln (PMID 28982351,26600521); p.Arg241Cys (PMID 26600521); p.Lys42del (PMID 27243974); and p.Tyr414Cys (without phasing, PMID 12501224). This variant was absent in population databases. Two pathogenic variants are found in the same codon (p.Pro275Ser and p.Pro275Arg). Multiple lines of computational evidence support a deleterious effect. In summary, this variant meets criteria to be classified as pathogenic for PAH. PAH-specific ACMG/AMP criteria applied: PM3_very strong, PM2, PM5, PP3, PP4_moderate.

Labcorp Genetics (formerly Invitae), Labcorp
Classification: Pathogenic for Phenylketonuria. Last evaluated: 2023-04-10. Review status: criteria provided, single submitter. Criteria: Invitae Variant Classification Sherloc (09022015). Collection method: clinical testing. Allele origin: germline. Not counted in ClinVar's aggregate classification.
Comment: For these reasons, this variant has been classified as Pathogenic. This variant disrupts the p.Pro275 amino acid residue in PAH. Other variant(s) that disrupt this residue have been determined to be pathogenic (PMID: 15464430, 25882749, 27121329). This suggests that this residue is clinically significant, and that variants that disrupt this residue are likely to be disease-causing. Experimental studies have shown that this missense change affects PAH function (PMID: 18538294, 21527427, 30648773). Advanced modeling of protein sequence and biophysical properties (such as structural, functional, and spatial information, amino acid conservation, physicochemical variation, residue mobility, and thermodynamic stability) performed at Invitae indicates that this missense variant is expected to disrupt PAH protein function. ClinVar contains an entry for this variant (Variation ID: 102855). This missense change has been observed in individual(s) with PAH-related conditions (PMID: 12501224, 17935162, 26600521). In at least one individual the data is consistent with being in trans (on the opposite chromosome) from a pathogenic variant. This variant is not present in population databases (gnomAD no frequency). This sequence change replaces proline, which is neutral and non-polar, with leucine, which is neutral and non-polar, at codon 275 of the PAH protein (p.Pro275Leu).

Counsyl
Classification: Likely pathogenic for Phenylketonuria. Last evaluated: 2017-11-19. Review status: no assertion criteria provided. Collection method: clinical testing. Allele origin: unknown. Not counted in ClinVar's aggregate classification.

DeBelle Laboratory for Biochemical Genetics, MUHC/MCH RESEARCH INSTITUTE
No classification provided. Review status: no classification provided. Collection method: not provided. Allele origin: not provided. Not counted in ClinVar's aggregate classification.

Literature cited by the submitters: PubMed 15464430 (cited by Labcorp Genetics (formerly Invitae), Labcorp); PubMed 25882749 (cited by Labcorp Genetics (formerly Invitae), Labcorp); PubMed 27121329 (cited by Labcorp Genetics (formerly Invitae), Labcorp); PubMed 18538294 (cited by Labcorp Genetics (formerly Invitae), Labcorp and Counsyl); PubMed 21527427 (cited by Labcorp Genetics (formerly Invitae), Labcorp and Counsyl); PubMed 30648773 (cited by Labcorp Genetics (formerly Invitae), Labcorp); PubMed 12501224 (cited by Labcorp Genetics (formerly Invitae), Labcorp and Counsyl); PubMed 17935162 (cited by Labcorp Genetics (formerly Invitae), Labcorp); PubMed 26600521 (cited by Labcorp Genetics (formerly Invitae), Labcorp and Counsyl); PubMed 15171997 (cited by Counsyl); PubMed 27243974 (cited by Counsyl).